The following is an entry in ClinVar:

NM_001134363.3(RBM20):c.1820C>T (p.Ala607Val)

Gene: RBM20 (RNA binding motif protein 20; plus strand). Cytogenetic location: 10q25.2.
Variant type: single nucleotide variant.
Coding change: c.1820C>T on transcript NM_001134363.3 (MANE Select); coding-DNA position 1820, C replaced by T.
Protein change: p.Ala607Val; replaces alanine 607 with valine.
Molecular consequence: missense variant.
Genome position (GRCh38, 1-based): chr10:110,810,402, C>T. VCF-style: chr10-110810402-C-T. GRCh37 (hg19) VCF-style: chr10-112570160-C-T.
Other names: short protein forms A607V.
Identifiers: ClinVar variation 1388165 (VCV001388165.9), dbSNP rs947755400, ClinGen allele CA378369038.

ClinVar aggregate classification (germline): Conflicting classifications of pathogenicity. Review status: criteria provided, conflicting classifications (1 of 4 stars). 3 submissions from 3 submitters: Uncertain significance (2); Likely benign (1). Last evaluated 2025-03-18.

Conditions:
Dilated cardiomyopathy 1DD (CMD1DD). Identifiers: Orphanet 154, MedGen C2750995, MONDO:0013168, OMIM 613172.
Cardiovascular phenotype. Identifiers: MedGen CN230736.

Allele frequency attached by ClinVar (database versions not stated): gnomAD exomes 0.00001; gnomAD 0.00002 and 0.00003; TOPMed 0.00010.
gnomAD v4.1: 6 of 1,551,458 alleles (0.00039%); highest among the groups gnomAD compares: Admixed American, 0.0098%; no homozygotes.

Submissions (3):

Ambry Genetics
Classification: Uncertain significance for Cardiovascular phenotype. Last evaluated: 2025-03-18. Review status: criteria provided, single submitter. Criteria: Ambry Variant Classification Scheme 2023. Collection method: clinical testing. Allele origin: germline.

Labcorp Genetics (formerly Invitae), Labcorp
Classification: Likely benign for Dilated cardiomyopathy 1DD. Last evaluated: 2024-09-21. Review status: criteria provided, single submitter. Criteria: Invitae Variant Classification Sherloc (09022015). Collection method: clinical testing. Allele origin: germline.

GeneDx
Classification: Uncertain significance. Last evaluated: 2022-04-01. Review status: criteria provided, single submitter. Criteria: GeneDx Variant Classification Process June 2021. Collection method: clinical testing. Allele origin: germline. Affected: yes.
Comment: Has not been previously published as pathogenic or benign to our knowledge; Not observed at significant frequency in large population cohorts (gnomAD); In silico analysis supports that this missense variant does not alter protein structure/function